The following is an entry in ClinVar:

ClinVar aggregate classification (germline): Likely pathogenic (1 of 4 stars; one submission).

Submission:

Labcorp Genetics (formerly Invitae), Labcorp
Classification: Likely pathogenic. Last evaluated: 2022-10-31. Review status: criteria provided, single submitter. Criteria: Invitae Variant Classification Sherloc (09022015). Collection method: clinical testing. Allele origin: germline.
Comment: This variant disrupts the p.Pro262 amino acid residue in AQP2. Other variant(s) that disrupt this residue have been determined to be pathogenic (PMID: 9550615, 15509592, 18431594, 22778181, 27641679). This suggests that this residue is clinically significant, and that variants that disrupt this residue are likely to be disease-causing. Experimental studies and prediction algorithms are not available or were not evaluated, and the functional significance of this variant is currently unknown. This variant has not been reported in the literature in individuals affected with AQP2-related conditions. This variant is a gross deletion of the genomic region encompassing exon(s) 2-4 of the AQP2 gene, which includes the termination codon. This deletion extends beyond the assayed region for this gene and therefore may encompass additional genes. While this deletion is not anticipated to lead to nonsense mediated decay, it is expected to alter mRNA translation or result in a truncated protein product. In summary, the currently available evidence indicates that the variant is pathogenic, but additional data are needed to prove that conclusively. Therefore, this variant has been classified as Likely Pathogenic.

Literature cited by the submitters: PubMed 9550615; PubMed 15509592; PubMed 18431594; PubMed 22778181; PubMed 27641679.

NC_000012.11:g.(?_50347928)_(50349401_?)del

Gene: AQP2 (aquaporin 2; plus strand). Cytogenetic location: 12q13.12.
Variant type: Deletion.
Identifiers: ClinVar variation 1067528 (VCV001067528.8).